The following is an entry in ClinVar:

NM_014391.3(ANKRD1):c.460C>T (p.Arg154Trp)

Gene: ANKRD1 (ankyrin repeat domain 1; minus strand). Cytogenetic location: 10q23.31.
Variant type: single nucleotide variant.
Coding change: c.460C>T on transcript NM_014391.3 (MANE Select); coding-DNA position 460, C replaced by T.
Protein change: p.Arg154Trp; replaces arginine 154 with tryptophan.
Molecular consequence: missense variant.
Genome position (GRCh38, 1-based): chr10:90,917,824, G>A on the plus strand (C>T on the coding strand, the complement: ANKRD1 is on the minus strand). VCF-style: chr10-90917824-G-A. GRCh37 (hg19) VCF-style: chr10-92677581-G-A.
Other names: short protein forms R154W.
Identifiers: ClinVar variation 477609 (VCV000477609.18), dbSNP rs751739709, ClinGen allele CA5598718.
Genomic context (GRCh38, chr10:90,917,824, plus strand): 5'-CCATTAACTTCTCCACAATTGCCAAATGTCCTTCCAAGCATGCTCTATGAAGAGCTGTCC[G>A]TTTATACTATCAGAACAGAGATTTTAAACAGAGATAGCAATAAATATAAAAATGTGTGTA-3'
Protein context (NP_055206.2, residues 144-164): NNPDVCDEYK[Arg154Trp]TALHRACLEG

ClinVar aggregate classification (germline): Uncertain significance. Review status: criteria provided, multiple submitters, no conflicts (2 of 4 stars). 3 submissions from 3 submitters: Uncertain significance (3). Last evaluated 2025-01-27.

Conditions:
ANKRD1-related dilated cardiomyopathy. Identifiers: MedGen CN119551.
Cardiovascular phenotype. Identifiers: MedGen CN230736.

Allele frequency attached by ClinVar (database versions not stated): gnomAD exomes 0.00002 and 0.00001; ExAC 0.00001; TOPMed 0.00002; gnomAD 0.00001.

Submissions (3):

Labcorp Genetics (formerly Invitae), Labcorp
Classification: Uncertain significance for ANKRD1-related dilated cardiomyopathy. Last evaluated: 2025-01-27. Review status: criteria provided, single submitter. Criteria: Invitae Variant Classification Sherloc (09022015). Collection method: clinical testing. Allele origin: germline.
Comment: This sequence change replaces arginine, which is basic and polar, with tryptophan, which is neutral and slightly polar, at codon 154 of the ANKRD1 protein (p.Arg154Trp). This variant is present in population databases (rs751739709, gnomAD 0.006%). This variant has not been reported in the literature in individuals affected with ANKRD1-related conditions. ClinVar contains an entry for this variant (Variation ID: 477609). Invitae Evidence Modeling of protein sequence and biophysical properties (such as structural, functional, and spatial information, amino acid conservation, physicochemical variation, residue mobility, and thermodynamic stability) indicates that this missense variant is not expected to disrupt ANKRD1 protein function with a negative predictive value of 80%. In summary, the available evidence is currently insufficient to determine the role of this variant in disease. Therefore, it has been classified as a Variant of Uncertain Significance.

Ambry Genetics
Classification: Uncertain significance for Cardiovascular phenotype. Last evaluated: 2025-01-10. Review status: criteria provided, single submitter. Criteria: Ambry Variant Classification Scheme 2023. Collection method: clinical testing. Allele origin: germline.
Comment: The p.R154W variant (also known as c.460C>T), located in coding exon 5 of the ANKRD1 gene, results from a C to T substitution at nucleotide position 460. The arginine at codon 154 is replaced by tryptophan, an amino acid with dissimilar properties. This amino acid position is highly conserved in available vertebrate species. In addition, this alteration is predicted to be deleterious by in silico analysis. The evidence for this gene-disease relationship is limited; therefore, the clinical significance of this alteration is unclear.

Stanford Center for Inherited Cardiovascular Disease, Stanford University
Classification: Uncertain significance. Last evaluated: 2017-10-11. Review status: criteria provided, single submitter. Criteria: ACMG Guidelines, 2015. Collection method: provider interpretation. Allele origin: germline.